The following is an entry in ClinVar:

ClinVar aggregate classification (germline): Uncertain significance. Review status: criteria provided, multiple submitters, no conflicts (2 of 4 stars). 2 submissions from 2 submitters: Uncertain significance (2). Last evaluated 2025-09-15.

Conditions:
Hereditary cancer-predisposing syndrome. Also called: Neoplastic Syndromes, Hereditary; Hereditary Cancer Syndrome; Hereditary neoplastic syndrome; Tumor predisposition. Identifiers: Orphanet 140162, MedGen C0027672, MeSH D009386, MONDO:0015356.

Submissions (2):

Labcorp Genetics (formerly Invitae), Labcorp
Classification: Uncertain significance. Last evaluated: 2025-09-15. Review status: criteria provided, single submitter. Criteria: Invitae Variant Classification Sherloc (09022015). Collection method: clinical testing. Allele origin: germline.
Comment: This sequence change replaces alanine, which is neutral and non-polar, with proline, which is neutral and non-polar, at codon 431 of the MSH3 protein (p.Ala431Pro). This variant is not present in population databases (gnomAD no frequency). This variant has not been reported in the literature in individuals affected with MSH3-related conditions. ClinVar contains an entry for this variant (Variation ID: 934166). An algorithm developed to predict the effect of missense changes on protein structure and function (PolyPhen-2) suggests that this variant is likely to be tolerated. In summary, the available evidence is currently insufficient to determine the role of this variant in disease. Therefore, it has been classified as a Variant of Uncertain Significance.

Ambry Genetics
Classification: Uncertain significance for Hereditary cancer-predisposing syndrome. Last evaluated: 2025-05-09. Review status: criteria provided, single submitter. Criteria: Ambry Variant Classification Scheme 2023. Collection method: clinical testing. Allele origin: germline.
Comment: The p.A431P variant (also known as c.1291G>C), located in coding exon 8 of the MSH3 gene, results from a G to C substitution at nucleotide position 1291. The alanine at codon 431 is replaced by proline, an amino acid with highly similar properties. This amino acid position is poorly conserved in available vertebrate species. In addition, this alteration is predicted to be tolerated by in silico analysis. Since supporting evidence is limited at this time, the clinical significance of this alteration remains unclear.

NM_002439.5(MSH3):c.1291G>C (p.Ala431Pro)

Gene: MSH3 (mutS homolog 3; plus strand). Cytogenetic location: 5q14.1.
Variant type: single nucleotide variant.
Coding change: c.1291G>C on transcript NM_002439.5 (MANE Select); coding-DNA position 1291, G replaced by C.
Protein change: p.Ala431Pro; replaces alanine 431 with proline.
Molecular consequence: missense variant.
Genome position (GRCh38, 1-based): chr5:80,679,044, G>C. VCF-style: chr5-80679044-G-C. GRCh37 (hg19) VCF-style: chr5-79974863-G-C.
Other names: short protein forms A431P.
Identifiers: ClinVar variation 934166 (VCV000934166.13), dbSNP rs1749906059, ClinGen allele CA360269053.